The following is an entry in ClinVar:

ClinVar aggregate classification (germline): Uncertain significance (1 of 4 stars; one submission).

Submission:

Labcorp Genetics (formerly Invitae), Labcorp
Classification: Uncertain significance. Last evaluated: 2026-01-17. Review status: criteria provided, single submitter. Criteria: Invitae Variant Classification Sherloc (09022015). Collection method: clinical testing. Allele origin: germline.
Comment: This sequence change replaces proline, which is neutral and non-polar, with arginine, which is basic and polar, at codon 508 of the ASXL1 protein (p.Pro508Arg). This variant is not present in population databases (gnomAD no frequency). This variant has not been reported in the literature in individuals affected with ASXL1-related conditions. An algorithm developed to predict the effect of missense changes on protein structure and function (PolyPhen-2) suggests that this variant is likely to be disruptive. In summary, the available evidence is currently insufficient to determine the role of this variant in disease. Therefore, it has been classified as a Variant of Uncertain Significance.

NM_015338.6(ASXL1):c.1523C>G (p.Pro508Arg)

Gene: ASXL1 (ASXL transcriptional regulator 1; plus strand). Cytogenetic location: 20q11.21.
Variant type: single nucleotide variant.
Coding change: c.1523C>G on transcript NM_015338.6 (MANE Select); coding-DNA position 1523, C replaced by G.
Protein change: p.Pro508Arg; replaces proline 508 with arginine.
Molecular consequence: missense variant.
Genome position (GRCh38, 1-based): chr20:32,433,721, C>G. VCF-style: chr20-32433721-C-G. GRCh37 (hg19) VCF-style: chr20-31021524-C-G.
Other names: c.1340C>G, p.Pro447Arg (NM_001363734.1); short protein forms P447R, P508R.
Identifiers: ClinVar variation 4728511 (VCV004728511.1).